The following is an entry in ClinVar:

ClinVar aggregate classification (germline): Pathogenic (1 of 4 stars; one submission).

Conditions:
Methylcobalamin deficiency type cblE (HMAE). Also called: HOMOCYSTINURIA-MEGALOBLASTIC ANEMIA, cblE COMPLEMENTATION TYPE; VITAMIN B12-RESPONSIVE HOMOCYSTINURIA, cblE TYPE; HOMOCYSTINURIA-MEGALOBLASTIC ANEMIA, cblE TYPE. Identifiers: Orphanet 2169, Orphanet 622, MedGen C1856057, MONDO:0009354, OMIM 236270.

Allele frequency attached by ClinVar (database versions not stated): gnomAD exomes below 0.00001 and 0.00002.

Submission:

Labcorp Genetics (formerly Invitae), Labcorp
Classification: Pathogenic for Methylcobalamin deficiency type cblE. Last evaluated: 2023-08-08. Review status: criteria provided, single submitter. Criteria: Invitae Variant Classification Sherloc (09022015). Collection method: clinical testing. Allele origin: germline.
Comment: This variant has not been reported in the literature in individuals affected with MTRR-related conditions. ClinVar contains an entry for this variant (Variation ID: 962353). For these reasons, this variant has been classified as Pathogenic. This sequence change creates a premature translational stop signal (p.Leu388Argfs*11) in the MTRR gene. It is expected to result in an absent or disrupted protein product. Loss-of-function variants in MTRR are known to be pathogenic (PMID: 15714522). This variant is not present in population databases (gnomAD no frequency).

Literature cited by the submitters: PubMed 15714522.

NM_002454.3(MTRR):c.1163_1188del (p.Leu388fs)

Gene: MTRR (5-methyltetrahydrofolate-homocysteine methyltransferase reductase; plus strand). Cytogenetic location: 5p15.31.
Variant type: Deletion.
Coding change: c.1163_1188del on transcript NM_002454.3 (MANE Select); coding-DNA positions 1163 to 1188, 26 bases deleted (TTGTGGACTATACCAGTGACAGTGCT).
Protein change: p.Leu388fs; shifts the reading frame from leucine 388.
Molecular consequence: frameshift variant. On other transcripts: non-coding transcript variant (14).
Genome position (GRCh38, 1-based): chr5:7,889,111-7,889,136, TTGTGGACTATACCAGTGACAGTGCT deleted. VCF-style (leftmost placement, unchanged base first): chr5-7889110-CTTGTGGACTATACCAGTGACAGTGCT-C. GRCh37 (hg19) VCF-style: chr5-7889223-CTTGTGGACTATACCAGTGACAGTGCT-C.
Other names: c.1163_1188del, p.Leu388fs (NM_001364440.2, NM_001364441.2, NM_001364442.2 and 1 more transcripts); short protein forms L388fs.
Identifiers: ClinVar variation 962353 (VCV000962353.8), dbSNP rs1561245416, ClinGen allele CA917408166.